The following is an entry in ClinVar:

NM_206933.4(USH2A):c.10437G>C (p.Trp3479Cys)

Gene: USH2A (usherin; minus strand). Cytogenetic location: 1q41.
Variant type: single nucleotide variant.
Coding change: c.10437G>C on transcript NM_206933.4 (MANE Select); coding-DNA position 10437, G replaced by C.
Protein change: p.Trp3479Cys; replaces tryptophan 3479 with cysteine.
Molecular consequence: missense variant.
Genome position (GRCh38, 1-based): chr1:215,782,886, C>G on the plus strand (G>C on the coding strand, the complement: USH2A is on the minus strand). VCF-style: chr1-215782886-C-G. GRCh37 (hg19) VCF-style: chr1-215956228-C-G.
Other names: short protein forms W3479C.
Identifiers: ClinVar variation 4771444 (VCV004771444.1).

ClinVar aggregate classification (germline): Pathogenic (1 of 4 stars; one submission).

gnomAD v4.1: 3 of 1,613,686 alleles (0.00019%); highest among the groups gnomAD compares: Non-Finnish European, 0.00025%; no homozygotes.

Submission:

Labcorp Genetics (formerly Invitae), Labcorp
Classification: Pathogenic. Last evaluated: 2026-01-18. Review status: criteria provided, single submitter. Criteria: Invitae Variant Classification Sherloc (09022015). Collection method: clinical testing. Allele origin: germline.
Comment: This sequence change replaces tryptophan, which is neutral and slightly polar, with cysteine, which is neutral and slightly polar, at codon 3479 of the USH2A protein (p.Trp3479Cys). This variant is not present in population databases (gnomAD no frequency). This missense change has been observed in individual(s) with USH2A-related conditions (PMID: 20507924, 30073356, 33576794, 34781295; internal data). Invitae Evidence Modeling of protein sequence and biophysical properties (such as structural, functional, and spatial information, amino acid conservation, physicochemical variation, residue mobility, and thermodynamic stability) has been performed for this missense variant. However, the output from this modeling did not meet the statistical confidence thresholds required to predict the impact of this variant on USH2A protein function. For these reasons, this variant has been classified as Pathogenic.

Literature cited by the submitters: PubMed 20507924; PubMed 30073356; PubMed 33576794; PubMed 34781295.